The following is an entry in ClinVar:

ClinVar aggregate classification (germline): Likely benign (1 of 4 stars; one submission).

Allele frequency attached by ClinVar (database versions not stated): gnomAD 0.00003; TOPMed below 0.00001; gnomAD exomes 0.00005; ExAC 0.00012.
gnomAD v4.1: 77 of 1,614,054 alleles (0.0048%); highest among the groups gnomAD compares: South Asian, 0.083%; no homozygotes.

Submission:

CeGaT Center for Human Genetics Tuebingen
Classification: Likely benign. Last evaluated: 2023-03-01. Review status: criteria provided, single submitter. Criteria: CeGaT Center For Human Genetics Tuebingen Variant Classification Criteria Version 2. Collection method: clinical testing. Allele origin: germline. Affected: yes. Observed: 1 variant allele.
Comment: DPYSL2: BP4, BP7

NM_001197293.3(DPYSL2):c.588A>G (p.Gln196=)

Gene: DPYSL2 (dihydropyrimidinase like 2; plus strand). Cytogenetic location: 8p21.2.
Variant type: single nucleotide variant.
Coding change: c.588A>G on transcript NM_001197293.3 (MANE Select); coding-DNA position 588, A replaced by G.
Protein change: p.Gln196=; no amino-acid change (glutamine 196 retained).
Molecular consequence: synonymous variant.
Genome position (GRCh38, 1-based): chr8:26,583,943, A>G. VCF-style: chr8-26583943-A-G. GRCh37 (hg19) VCF-style: chr8-26441459-A-G.
Other names: c.165A>G, p.Gln55= (NM_001244604.2); c.273A>G, p.Gln91= (NM_001386.6).
Identifiers: ClinVar variation 2658495 (VCV002658495.24), dbSNP rs753474956, ClinGen allele CA4686373.